The following is an entry in ClinVar:

NM_000111.3(SLC26A3):c.1299G>A (p.Ala433=)

Gene: SLC26A3 (solute carrier family 26 member 3; minus strand). Cytogenetic location: 7q22.3.
Variant type: single nucleotide variant.
Coding change: c.1299G>A on transcript NM_000111.3 (MANE Select); coding-DNA position 1299, G replaced by A.
Protein change: p.Ala433=; no amino-acid change (alanine 433 retained).
Molecular consequence: synonymous variant.
Genome position (GRCh38, 1-based): chr7:107,782,809, C>T on the plus strand (G>A on the coding strand, the complement: SLC26A3 is on the minus strand). VCF-style: chr7-107782809-C-T. GRCh37 (hg19) VCF-style: chr7-107423254-C-T.
Other names: p.Ala433=.
Identifiers: ClinVar variation 358545 (VCV000358545.18), dbSNP rs3735605, ClinGen allele CA4433877.

ClinVar aggregate classification (germline): Benign. Review status: criteria provided, multiple submitters, no conflicts (2 of 4 stars). 6 submissions from 6 submitters: Benign (6). Last evaluated 2026-02-04.

Conditions:
Congenital secretory diarrhea, chloride type (DIAR1). Also called: DIARRHEA 1, SECRETORY CHLORIDE, CONGENITAL; CHLORIDORRHEA, CONGENITAL; CHLORIDE DIARRHEA, CONGENITAL, FINNISH TYPE. Identifiers: Orphanet 53689, MedGen C0267662, MONDO:0008964, OMIM 214700.

Allele frequency attached by ClinVar (database versions not stated): gnomAD 0.13922 and 0.14182; TOPMed 0.14041; ESP Exome Variant Server 0.14232; 1000 Genomes Project 0.15096; 1000 Genomes Project 30x 0.15459; ExAC 0.15807; gnomAD exomes 0.15945 and 0.16696.
gnomAD v4.1: 266,121 of 1,612,682 alleles (17%); highest among the groups gnomAD compares: East Asian, 26%; 23,250 homozygotes.

Submissions (6):

Labcorp Genetics (formerly Invitae), Labcorp
Classification: Benign. Last evaluated: 2026-02-04. Review status: criteria provided, single submitter. Criteria: Invitae Variant Classification Sherloc (09022015). Collection method: clinical testing. Allele origin: germline.

Blueprint Genetics
Classification: Benign. Last evaluated: 2024-11-27. Review status: criteria provided, single submitter. Criteria: ACMG Guidelines, 2015. Collection method: clinical testing. Allele origin: germline.

Mayo Clinic Laboratories, Mayo Clinic
Classification: Benign. Last evaluated: 2022-09-06. Review status: criteria provided, single submitter. Criteria: ACMG Guidelines, 2015. Collection method: clinical testing. Allele origin: germline. Observed: 29 variant alleles.

GeneDx
Classification: Benign. Last evaluated: 2020-01-28. Review status: criteria provided, single submitter. Criteria: GeneDx Variant Classification Process June 2021. Collection method: clinical testing. Allele origin: germline. Affected: yes.

Illumina Laboratory Services, Illumina
Classification: Benign for Congenital secretory diarrhea, chloride type. Last evaluated: 2018-01-13. Review status: criteria provided, single submitter. Criteria: ICSL Variant Classification Criteria 13 December 2019. Collection method: clinical testing. Allele origin: germline.
Comment: This variant was observed in the ICSL laboratory as part of a predisposition screen in an ostensibly healthy population. It had not been previously curated by ICSL or reported in the Human Gene Mutation Database (HGMD: prior to June 1st, 2018), and was therefore a candidate for classification through an automated scoring system. Utilizing variant allele frequency, disease prevalence and penetrance estimates, and inheritance mode, an automated score was calculated to assess if this variant is too frequent to cause the disease. Based on the score and internal cut-off values, a variant classified as benign is not then subjected to further curation. The score for this variant resulted in a classification of benign for this disease.

Breakthrough Genomics
Classification: Benign. Review status: criteria provided, single submitter. Criteria: ACMG Guidelines, 2015. Collection method: not provided. Allele origin: germline. Inheritance: Autosomal recessive inheritance. Affected: yes.